The following is an entry in ClinVar:

NM_018713.3(SLC30A10):c.1078C>G (p.Gln360Glu)

Gene: SLC30A10 (solute carrier family 30 member 10; minus strand). Cytogenetic location: 1q41.
Variant type: single nucleotide variant.
Coding change: c.1078C>G on transcript NM_018713.3 (MANE Select); coding-DNA position 1078, C replaced by G.
Protein change: p.Gln360Glu; replaces glutamine 360 with glutamic acid.
Molecular consequence: missense variant.
Genome position (GRCh38, 1-based): chr1:219,915,829, G>C on the plus strand (C>G on the coding strand, the complement: SLC30A10 is on the minus strand). VCF-style: chr1-219915829-G-C. GRCh37 (hg19) VCF-style: chr1-220089171-G-C.
Other names: c.889C>G, p.Gln297Glu (NM_001376929.1); c.403C>G, p.Gln135Glu (NM_001416004.1, NM_001416005.1); short protein forms Q135E, Q297E, Q360E.
Identifiers: ClinVar variation 4976424 (VCV004976424.1).

ClinVar aggregate classification (germline): Uncertain significance (1 of 4 stars; one submission).

gnomAD v4.1: 5 of 1,614,208 alleles (0.00031%); highest among the groups gnomAD compares: Admixed American, 0.005%; no homozygotes.

Submission:

GeneDx
Classification: Uncertain significance. Last evaluated: 2026-02-11. Review status: criteria provided, single submitter. Criteria: GeneDx Variant Classification Process June 2021. Collection method: clinical testing. Allele origin: germline.
Comment: Not observed at significant frequency in large population cohorts (gnomAD); In silico analysis suggests that this missense variant does not alter protein structure/function; Has not been previously published as pathogenic or benign to our knowledge